The following is an entry in ClinVar:

NM_001035.3(RYR2):c.295A>C (p.Lys99Gln)

Gene: RYR2 (ryanodine receptor 2; plus strand). Cytogenetic location: 1q43.
Variant type: single nucleotide variant.
Coding change: c.295A>C on transcript NM_001035.3 (MANE Select); coding-DNA position 295, A replaced by C.
Protein change: p.Lys99Gln; replaces lysine 99 with glutamine.
Molecular consequence: missense variant.
Genome position (GRCh38, 1-based): chr1:237,364,358, A>C. VCF-style: chr1-237364358-A-C. GRCh37 (hg19) VCF-style: chr1-237527658-A-C.
Other names: c.295A>C, p.Lys99Gln (LRG_402t1); short protein forms K99Q.
Identifiers: ClinVar variation 658783 (VCV000658783.13), dbSNP rs1172697175, ClinGen allele CA345654826.
Genomic context (GRCh38, chr1:237,364,358, plus strand): 5'-AGGAAGTCTTTGAGATCGTGTCTATTTAATGTTTCCTCTCTTTTCCTTATGCCCCTACAG[A>C]AATTCATGATGAAGGTAAGACATCTTAATATATATGCTATGTATATATATAGCAGATATA-3'
Protein context (NP_001026.2, residues 89-109): SEGQVDVEKW[Lys99Gln]FMMKTAQGGG

ClinVar aggregate classification (germline): Uncertain significance. Review status: criteria provided, multiple submitters, no conflicts (2 of 4 stars). 3 submissions from 3 submitters: Uncertain significance (3). Last evaluated 2025-08-22.

Conditions:
Arrhythmogenic right ventricular dysplasia 2. Identifiers: MedGen C1832931.
Catecholaminergic polymorphic ventricular tachycardia 1. Also called: RYR2-Related Catecholaminergic Polymorphic Ventricular Tachycardia; VENTRICULAR TACHYCARDIA, CATECHOLAMINERGIC POLYMORPHIC, 1, WITH OR WITHOUT ATRIAL DYSFUNCTION AND/OR DILATED CARDIOMYOPATHY; VENTRICULAR TACHYCARDIA, STRESS-INDUCED POLYMORPHIC 1. Identifiers: Orphanet 3286, MedGen C1631597, MONDO:0011484, OMIM 604772.
Ventricular arrhythmias due to cardiac ryanodine receptor calcium release deficiency syndrome. Also called: Autosomal dominant cardiac arrhythmia (Kuhn). Identifiers: MedGen C5542154, MONDO:0020745, OMIM 115000.
Cardiovascular phenotype. Identifiers: MedGen CN230736.

Allele frequency attached by ClinVar (database versions not stated): gnomAD exomes below 0.00001; TOPMed below 0.00001; gnomAD 0.00001 and 0.00003.
gnomAD v4.1: 2 of 1,574,912 alleles (0.00013%); highest among the groups gnomAD compares: African/African-American, 0.0027%; no homozygotes.

Submissions (3):

Ambry Genetics
Classification: Uncertain significance for Cardiovascular phenotype. Last evaluated: 2025-08-22. Review status: criteria provided, single submitter. Criteria: Ambry Variant Classification Scheme 2023. Collection method: clinical testing. Allele origin: germline.
Comment: The p.K99Q variant (also known as c.295A>C) is located in coding exon 5 of the RYR2 gene. The lysine at codon 99 is replaced by glutamine, an amino acid with similar properties. This change occurs in the first base pair of coding exon 5. This amino acid position is highly conserved in available vertebrate species. In addition, the in silico prediction for this alteration is inconclusive. Based on the available evidence, the clinical significance of this variant remains unclear.

Labcorp Genetics (formerly Invitae), Labcorp
Classification: Uncertain significance for Catecholaminergic polymorphic ventricular tachycardia 1. Last evaluated: 2023-10-04. Review status: criteria provided, single submitter. Criteria: Invitae Variant Classification Sherloc (09022015). Collection method: clinical testing. Allele origin: germline.
Comment: This sequence change replaces lysine, which is basic and polar, with glutamine, which is neutral and polar, at codon 99 of the RYR2 protein (p.Lys99Gln). This variant is present in population databases (no rsID available, gnomAD 0.005%). This variant has not been reported in the literature in individuals affected with RYR2-related conditions. ClinVar contains an entry for this variant (Variation ID: 658783). An algorithm developed to predict the effect of missense changes on protein structure and function (PolyPhen-2) suggests that this variant is likely to be tolerated. In summary, the available evidence is currently insufficient to determine the role of this variant in disease. Therefore, it has been classified as a Variant of Uncertain Significance.

Fulgent Genetics
Classification: Uncertain significance for Ventricular arrhythmias due to cardiac ryanodine receptor calcium release deficiency syndrome; Catecholaminergic polymorphic ventricular tachycardia 1. Last evaluated: 2021-10-12. Review status: criteria provided, single submitter. Criteria: ACMG Guidelines, 2015. Collection method: clinical testing. Allele origin: unknown.